The following is an entry in ClinVar:

ClinVar aggregate classification (germline): Uncertain significance. Review status: criteria provided, multiple submitters, no conflicts (2 of 4 stars). 2 submissions from 2 submitters: Uncertain significance (2). Last evaluated 2025-01-08.

Conditions:
Loeys-Dietz syndrome 1 (LDS1). Also called: FURLONG SYNDROME; AORTIC ANEURYSM, FAMILIAL THORACIC 5; TGFBR1-Related Loeys-Dietz Syndrome. Identifiers: Orphanet 60030, MedGen C4551955, MONDO:0012212, OMIM 609192.
Familial thoracic aortic aneurysm and aortic dissection (TAAD). Also called: Thoracic aortic aneurysms and dissections. Identifiers: Orphanet 91387, MedGen C4707243, MONDO:0019625.

gnomAD v4.1: 3 of 1,613,920 alleles (0.00019%); highest among the groups gnomAD compares: Non-Finnish European, 0.00025%; no homozygotes.

Submissions (2):

3billion
Classification: Uncertain significance for Loeys-Dietz syndrome 1. Last evaluated: 2025-01-08. Review status: criteria provided, single submitter. Criteria: ACMG Guidelines, 2015. Collection method: clinical testing. Allele origin: germline. Affected: yes.
Comment: The variant is observed at an extremely low frequency in the gnomAD v4.1.0 dataset (total allele frequency: <0.001%). Predicted Consequence/Location: Missense variant In silico tool predictions suggest damaging effect of the variant on gene or gene product [REVEL: 0.66 (>=0.6, sensitivity 0.68 and specificity 0.92); 3Cnet: 0.90 (>=0.6, sensitivity 0.72 and precision 0.9)]. Different missense changes at the same codon have been reported as of uncertain significance (ClinVar ID: VCV000213888). Therefore, this variant is classified as VUS according to the recommendation of ACMG/AMP guideline.

Color Diagnostics, LLC DBA Color Health
Classification: Uncertain significance for Familial thoracic aortic aneurysm and aortic dissection. Last evaluated: 2024-03-06. Review status: criteria provided, single submitter. Criteria: ACMG Guidelines, 2015. Collection method: clinical testing. Allele origin: germline.
Comment: This missense variant replaces isoleucine with threonine at codon 365 of the TGFBR1 protein. Computational prediction is inconclusive regarding the impact of this variant on protein structure and function. To our knowledge, functional studies have not been reported for this variant. This variant has not been reported in individuals affected with cardiovascular disorders in the literature. This variant has not been identified in the general population by the Genome Aggregation Database (gnomAD). The available evidence is insufficient to determine the role of this variant in disease conclusively. Therefore, this variant is classified as a Variant of Uncertain Significance.

NM_004612.4(TGFBR1):c.1094T>C (p.Ile365Thr)

Gene: TGFBR1 (transforming growth factor beta receptor 1; plus strand). Cytogenetic location: 9q22.33.
Variant type: single nucleotide variant.
Coding change: c.1094T>C on transcript NM_004612.4 (MANE Select); coding-DNA position 1094, T replaced by C.
Protein change: p.Ile365Thr; replaces isoleucine 365 with threonine.
Molecular consequence: missense variant. On other transcripts: non-coding transcript variant (4).
Genome position (GRCh38, 1-based): chr9:99,144,852, T>C. VCF-style: chr9-99144852-T-C. GRCh37 (hg19) VCF-style: chr9-101907134-T-C.
Other names: c.887T>C, p.Ile296Thr (NM_001407432.1, NM_001407433.1, NM_001407434.1 and 8 more transcripts); c.863T>C, p.Ile288Thr (NM_001407435.1, NM_001130916.3); c.848T>C, p.Ile283Thr (NM_001407436.1); c.386T>C, p.Ile129Thr (NM_001407437.1); c.617T>C, p.Ile206Thr (NM_001407438.1); c.1106T>C, p.Ile369Thr (NM_001306210.2); c.938T>C, p.Ile313Thr (NM_001407416.1); c.926T>C, p.Ile309Thr (NM_001407417.1); and 1 more; short protein forms I129T, I206T, I283T, I288T, I296T, I300T, I309T, I313T.
Identifiers: ClinVar variation 4293761 (VCV004293761.2).